The following is an entry in ClinVar:

NM_000059.4(BRCA2):c.171_187del (p.Tyr57_Lys63delinsTer)

Gene: BRCA2 (BRCA2 DNA repair associated; plus strand). Cytogenetic location: 13q13.1.
Variant type: Deletion.
Coding change: c.171_187del on transcript NM_000059.4 (MANE Select); coding-DNA positions 171 to 187, 17 bases deleted (CGAACCAAACCTATTTA).
Protein change: p.Tyr57_Lys63delinsTer.
Molecular consequence: nonsense.
Genome position (GRCh38, 1-based): chr13:32,319,180-32,319,196, CGAACCAAACCTATTTA deleted; deleting any 17 consecutive bases within chr13:32,319,177-32,319,196 gives the same sequence; the c. name uses the placement nearest the transcript's 3' end. VCF-style (leftmost placement, unchanged base first): chr13-32319176-ATTACGAACCAAACCTAT-A. GRCh37 (hg19) VCF-style: chr13-32893313-ATTACGAACCAAACCTAT-A.
Identifiers: ClinVar variation 819903 (VCV000819903.4), dbSNP rs1593882540, ClinGen allele CA915946928.

ClinVar aggregate classification (germline): Pathogenic (1 of 4 stars; one submission).

Conditions:
Hereditary cancer-predisposing syndrome. Also called: Neoplastic Syndromes, Hereditary; Tumor predisposition; Hereditary Cancer Syndrome; Hereditary neoplastic syndrome. Identifiers: Orphanet 140162, MedGen C0027672, MeSH D009386, MONDO:0015356.

Submission:

Ambry Genetics
Classification: Pathogenic for Hereditary cancer-predisposing syndrome. Last evaluated: 2018-09-30. Review status: criteria provided, single submitter. Criteria: Ambry Variant Classification Scheme 2023. Collection method: clinical testing. Allele origin: germline.
Comment: The c.171_187del17 pathogenic mutation (also known as p.Y57*), located in coding exon 2 of the BRCA2 gene, results from a deletion of 17 nucleotides at nucleotide positions 171 to 187. This changes the amino acid from a tyrosine to a stop codon within coding exon 2. This alteration is expected to result in loss of function by premature protein truncation or nonsense-mediated mRNA decay. As such, this alteration is interpreted as a disease-causing mutation.